The following is an entry in ClinVar:

NM_000302.4(PLOD1):c.127C>T (p.Arg43Cys)

Gene: PLOD1 (procollagen-lysine,2-oxoglutarate 5-dioxygenase 1; plus strand). Cytogenetic location: 1p36.22.
Variant type: single nucleotide variant.
Coding change: c.127C>T on transcript NM_000302.4 (MANE Select); coding-DNA position 127, C replaced by T.
Protein change: p.Arg43Cys; replaces arginine 43 with cysteine.
Molecular consequence: missense variant.
Genome position (GRCh38, 1-based): chr1:11,948,026, C>T. VCF-style: chr1-11948026-C-T. GRCh37 (hg19) VCF-style: chr1-12008083-C-T.
Other names: p.Arg43Cys; c.268C>T, p.Arg90Cys (NM_001316320.2); short protein forms R90C, R43C.
Identifiers: ClinVar variation 806064 (VCV000806064.46), dbSNP rs778603432, ClinGen allele CA597795.

ClinVar aggregate classification (germline): Uncertain significance. Review status: criteria provided, multiple submitters, no conflicts (2 of 4 stars). 4 submissions from 4 submitters: Uncertain significance (4). Last evaluated 2025-04-03.

Conditions:
Familial thoracic aortic aneurysm and aortic dissection (TAAD). Also called: Thoracic aortic aneurysms and dissections. Identifiers: Orphanet 91387, MedGen C4707243, MONDO:0019625.
Ehlers-Danlos syndrome, kyphoscoliotic type 1 (EDSKSCL1). Also called: EHLERS-DANLOS SYNDROME, TYPE VIA; PLOD1-Related Kyphoscoliotic Ehlers-Danlos Syndrome; Ehlers-Danlos syndrome, hydroxylysine-deficient; EHLERS-DANLOS SYNDROME, OCULAR-SCOLIOTIC TYPE. Identifiers: Orphanet 1900, MedGen C0268342, MONDO:0016002, OMIM 225400. Disease mechanism: loss of function.

Allele frequency attached by ClinVar (database versions not stated): gnomAD 0.00001; TOPMed 0.00002; ExAC 0.00004.
gnomAD v4.1: 28 of 1,613,824 alleles (0.0017%); highest among the groups gnomAD compares: East Asian, 0.0022%; no homozygotes.

Submissions (4):

Ambry Genetics
Classification: Uncertain significance for Familial thoracic aortic aneurysm and aortic dissection. Last evaluated: 2025-04-03. Review status: criteria provided, single submitter. Criteria: Ambry Variant Classification Scheme 2023. Collection method: clinical testing. Allele origin: germline.

Mayo Clinic Laboratories, Mayo Clinic
Classification: Uncertain significance. Last evaluated: 2024-03-08. Review status: criteria provided, single submitter. Criteria: ACMG Guidelines, 2015. Collection method: clinical testing. Allele origin: germline. Observed: 1 variant allele.
Comment: PM2

Labcorp Genetics (formerly Invitae), Labcorp
Classification: Uncertain significance for Ehlers-Danlos syndrome, kyphoscoliotic type 1. Last evaluated: 2022-02-13. Review status: criteria provided, single submitter. Criteria: Invitae Variant Classification Sherloc (09022015). Collection method: clinical testing. Allele origin: germline.
Comment: This sequence change replaces arginine, which is basic and polar, with cysteine, which is neutral and slightly polar, at codon 43 of the PLOD1 protein (p.Arg43Cys). This variant is present in population databases (rs778603432, gnomAD 0.006%). This variant has not been reported in the literature in individuals affected with PLOD1-related conditions. ClinVar contains an entry for this variant (Variation ID: 806064). Algorithms developed to predict the effect of missense changes on protein structure and function (SIFT, PolyPhen-2, Align-GVGD) all suggest that this variant is likely to be disruptive. In summary, the available evidence is currently insufficient to determine the role of this variant in disease. Therefore, it has been classified as a Variant of Uncertain Significance.

CeGaT Center for Human Genetics Tuebingen
Classification: Uncertain significance. Last evaluated: 2017-05-01. Review status: criteria provided, single submitter. Criteria: CeGaT Center For Human Genetics Tuebingen Variant Classification Criteria Version 2. Collection method: clinical testing. Allele origin: germline. Affected: yes. Observed: 1 variant allele.